The following is an entry in ClinVar:

ClinVar aggregate classification (germline): Conflicting classifications of pathogenicity. Review status: criteria provided, conflicting classifications (1 of 4 stars). 7 submissions from 7 submitters: Likely pathogenic (1); Uncertain significance (4); Likely benign (1). 1 of the submissions does not count toward it. Last evaluated 2025-04-11.

Conditions:
Hypogonadotropic hypogonadism 18 with anosmia. Identifiers: MedGen C4016983.
Delayed puberty. Identifiers: MedGen C0034012, HP:0000823.

Allele frequency attached by ClinVar (database versions not stated): ESP Exome Variant Server 0.00049; gnomAD 0.00063 and 0.00070; TOPMed 0.00064; gnomAD exomes 0.00089 and 0.00119; 1000 Genomes Project 30x 0.00094; 1000 Genomes Project 0.00100; ExAC 0.00164.
gnomAD v4.1: 1,842 of 1,607,560 alleles (0.11%); highest among the groups gnomAD compares: South Asian, 0.28%; 8 homozygotes.

Submissions (7):

Labcorp Genetics (formerly Invitae), Labcorp
Classification: Likely benign. Last evaluated: 2025-04-11. Review status: criteria provided, single submitter. Criteria: Invitae Variant Classification Sherloc (09022015). Collection method: clinical testing. Allele origin: germline.

Women's Health and Genetics/Laboratory Corporation of America, LabCorp
Classification: Uncertain significance. Last evaluated: 2024-02-28. Review status: criteria provided, single submitter. Criteria: LabCorp Variant Classification Summary - May 2015. Collection method: clinical testing. Allele origin: germline.
Comment: Variant summary: IL17RD c.392A>C (p.Lys131Thr) results in a non-conservative amino acid change located in the Interleukin 17 receptor D, N-terminal (IPR031951) of the encoded protein sequence. Four of five in-silico tools predict a damaging effect of the variant on protein function. The variant allele was found at a frequency of 0.0011 in 1607560 control chromosomes in the gnomAD database (v4.0.0), including 8 homozygotes. This frequency does not allow conclusion about variant significance. c.392A>C has been reported in the literature in individuals affected with Kallman syndrome (Miraoui_2013). These reports do not provide unequivocal conclusions about association of the variant with Hypogonadotropic Hypogonadism 18 With Or Without Anosmia. At least one publication reports experimental evidence evaluating an impact on protein function indicating it alters protein function (Miraoui_2013). The following publication have been ascertained in the context of this evaluation (PMID: 23643382). ClinVar contains an entry for this variant (Variation ID: 50867). Based on the evidence outlined above, the variant was classified as uncertain significance.

GeneDx
Classification: Uncertain significance. Last evaluated: 2023-04-24. Review status: criteria provided, single submitter. Criteria: GeneDx Variant Classification Process June 2021. Collection method: clinical testing. Allele origin: germline. Affected: yes.
Comment: Observed in the heterozygous state in two individuals with Kallman syndrome and an individual with self-limited delayed puberty, as well as in one control sample, in the published literature (Miraoui et al., 2013; Zhu et al., 2015); Published functional studies show that the K131T variant disrupts normal protein function (Miraoui et al., 2013); In silico analysis supports that this missense variant does not alter protein structure/function; This variant is associated with the following publications: (PMID: 23643382, 25636053, 34426522)

Mendelics
Classification: Uncertain significance. Last evaluated: 2022-05-04. Review status: criteria provided, single submitter. Criteria: Mendelics Assertion Criteria 2019. Collection method: clinical testing. Allele origin: germline.

Genetic Services Laboratory, University of Chicago
Classification: Uncertain significance. Last evaluated: 2018-04-05. Review status: criteria provided, single submitter. Criteria: ACMG Guidelines, 2015. Collection method: clinical testing. Allele origin: germline. Affected: no.

Chan Lab, Boston Children's Hospital
Classification: Likely pathogenic for Delayed puberty. Last evaluated: 2014-11-01. Review status: criteria provided, single submitter. Criteria: Submitter's publication. Collection method: case-control. Allele origin: maternal. Affected: yes. Observed: 1 variant allele.

OMIM
Classification: Pathogenic for HYPOGONADOTROPIC HYPOGONADISM 18 WITH ANOSMIA. Last evaluated: 2013-05-02. Review status: no assertion criteria provided. Collection method: literature only. Allele origin: germline. Not counted in ClinVar's aggregate classification.

Literature cited by the submitters: PubMed 23643382 (cited by Women's Health and Genetics/Laboratory Corporation of America, LabCorp and OMIM).

NM_017563.5(IL17RD):c.392A>C (p.Lys131Thr)

Gene: IL17RD (interleukin 17 receptor D; minus strand). Cytogenetic location: 3p14.3.
Variant type: single nucleotide variant.
Coding change: c.392A>C on transcript NM_017563.5 (MANE Select); coding-DNA position 392, A replaced by C.
Protein change: p.Lys131Thr; replaces lysine 131 with threonine.
Molecular consequence: missense variant. On other transcripts: 5 prime UTR variant (1).
Genome position (GRCh38, 1-based): chr3:57,110,230, T>G on the plus strand (A>C on the coding strand, the complement: IL17RD is on the minus strand). VCF-style: chr3-57110230-T-G. GRCh37 (hg19) VCF-style: chr3-57144258-T-G.
Other names: IL17RD, LYS131THR (rs184758350); c.-41A>C (NM_001318864.2); short protein forms K131T.
Identifiers: ClinVar variation 50867 (VCV000050867.18), dbSNP rs184758350, ClinGen allele CA143828.